The following is an entry in ClinVar:

ClinVar aggregate classification (germline): Uncertain significance. Review status: criteria provided, multiple submitters, no conflicts (2 of 4 stars). 4 submissions from 4 submitters: Uncertain significance (4). Last evaluated 2024-11-04.

Conditions:
Cardiovascular phenotype. Identifiers: MedGen CN230736.

Submissions (4):

Women's Health and Genetics/Laboratory Corporation of America, LabCorp
Classification: Uncertain significance. Last evaluated: 2024-11-04. Review status: criteria provided, single submitter. Criteria: LabCorp Variant Classification Summary - May 2015. Collection method: clinical testing. Allele origin: germline.
Comment: Variant summary: ALPK3 c.3289_3290delinsTT (p.Pro1097Phe) results in a non-conservative amino acid change in the encoded protein sequence. Two of three in-silico tools predict a damaging effect of the variant on protein function. The variant was absent in 208722 control chromosomes. The available data on variant occurrences in the general population are insufficient to allow any conclusion about variant significance. To our knowledge, no occurrence of c.3289_3290delinsTT in individuals affected with Cardiomyopathy and no experimental evidence demonstrating its impact on protein function have been reported. ClinVar contains an entry for this variant (Variation ID: 1203561). Based on the evidence outlined above, the variant was classified as uncertain significance.

Labcorp Genetics (formerly Invitae), Labcorp
Classification: Uncertain significance. Last evaluated: 2024-09-12. Review status: criteria provided, single submitter. Criteria: Invitae Variant Classification Sherloc (09022015). Collection method: clinical testing. Allele origin: germline.
Comment: This sequence change replaces proline, which is neutral and non-polar, with phenylalanine, which is neutral and non-polar, at codon 1299 of the ALPK3 protein (p.Pro1299Phe). The frequency data for this variant in the population databases is considered unreliable, as metrics indicate poor data quality at this position in the gnomAD database. This variant has not been reported in the literature in individuals affected with ALPK3-related conditions. ClinVar contains an entry for this variant (Variation ID: 1203561). An algorithm developed to predict the effect of missense changes on protein structure and function (PolyPhen-2) suggests that this variant is likely to be tolerated. In summary, the available evidence is currently insufficient to determine the role of this variant in disease. Therefore, it has been classified as a Variant of Uncertain Significance.

GeneDx
Classification: Uncertain significance. Last evaluated: 2023-09-28. Review status: criteria provided, single submitter. Criteria: GeneDx Variant Classification Process June 2021. Collection method: clinical testing. Allele origin: germline. Affected: yes.
Comment: Not observed at significant frequency in large population cohorts (gnomAD); In silico analysis supports that this variant does not alter protein structure/function; Has not been previously published as pathogenic or benign to our knowledge

Ambry Genetics
Classification: Uncertain significance for Cardiovascular phenotype. Last evaluated: 2022-08-30. Review status: criteria provided, single submitter. Criteria: Ambry Variant Classification Scheme 2023. Collection method: clinical testing. Allele origin: germline.
Comment: The c.3895_3896delCCinsTT variant, located in coding exon 6 of the ALPK3 gene, results from an in-frame deletion of CC and insertion of TT at nucleotide positions 3895 to 3896. This results in the substitution of the proline residue for a phenylalanine residue at codon 1299, an amino acid with dissimilar properties. Based on data from gnomAD, the TT allele has an overall frequency of 0.002396% (5/208722) total alleles studied. The highest observed frequency was 0.004226% (4/94642) of European (non-Finnish) alleles. This amino acid position is poorly conserved in available vertebrate species. Since supporting evidence is limited at this time, the clinical significance of this alteration remains unclear.

NM_020778.5(ALPK3):c.3289_3290delinsTT (p.Pro1097Phe)

Gene: ALPK3 (alpha kinase 3; plus strand). Cytogenetic location: 15q25.3.
Variant type: Indel.
Coding change: c.3289_3290delinsTT on transcript NM_020778.5 (MANE Select); coding-DNA positions 3289 to 3290, CC replaced by TT.
Protein change: p.Pro1097Phe; replaces proline 1097 with phenylalanine.
Molecular consequence: missense variant.
Genome position (GRCh38, 1-based): chr15:84,858,027-84,858,028, CC replaced by TT. VCF-style: chr15-84858027-CC-TT. GRCh37 (hg19) VCF-style: chr15-85401258-CC-TT.
Other names: short protein forms P1097F.
Identifiers: ClinVar variation 1203561 (VCV001203561.13), dbSNP rs2141568853, ClinGen allele CA2499223118.
Genomic context (GRCh38, chr15:84,858,027, plus strand): 5'-GACGAGGAGGACCCTGGGCTGGCCTCAGAAGGAGCCAGTGAGGGTGAAGGAGAGGTTTCC[CC>TT]TGAGGGGCCTGGCCTCCTGGGGGCCTCTCAGGAGAGCAGCATGGCTGGTCGACTGGGGGA-3'
Protein context (NP_065829.4, residues 1087-1107): GASEGEGEVS[Pro1097Phe]EGPGLLGASQ